The following is an entry in ClinVar:

NM_000143.4(FH):c.759A>G (p.Gln253=)

Gene: FH (fumarate hydratase; minus strand). Cytogenetic location: 1q43.
Variant type: single nucleotide variant.
Coding change: c.759A>G on transcript NM_000143.4 (MANE Select); coding-DNA position 759, A replaced by G.
Protein change: p.Gln253=; no amino-acid change (glutamine 253 retained).
Molecular consequence: synonymous variant.
Genome position (GRCh38, 1-based): chr1:241,506,148, T>C on the plus strand (A>G on the coding strand, the complement: FH is on the minus strand). VCF-style: chr1-241506148-T-C. GRCh37 (hg19) VCF-style: chr1-241669448-T-C.
Identifiers: ClinVar variation 643467 (VCV000643467.14), dbSNP rs147518314, ClinGen allele CA1478611.

ClinVar aggregate classification (germline): Benign/Likely benign. Review status: criteria provided, multiple submitters, no conflicts (2 of 4 stars). 5 submissions from 5 submitters: Benign (1); Likely benign (4). Last evaluated 2025-12-21.

Conditions:
Hereditary cancer-predisposing syndrome. Also called: Neoplastic Syndromes, Hereditary; Tumor predisposition; Hereditary neoplastic syndrome; Hereditary Cancer Syndrome. Identifiers: Orphanet 140162, MedGen C0027672, MeSH D009386, MONDO:0015356.
FH-related disorder. Also called: FH-related condition; FH-related disorders.
Hereditary leiomyomatosis and renal cell cancer. Also called: Multiple cutaneous leiomyomas; Familial leiomyomatosis; MULTIPLE CUTANEOUS AND UTERINE LEIOMYOMATA 1, WITH OR WITHOUT RENAL CELL CARCINOMA; FH tumor predisposition syndrome; LEIOMYOMA, MULTIPLE CUTANEOUS; Reed syndrome. Identifiers: Orphanet 523, MedGen C1708350, MONDO:0007888, OMIM 150800, HP:0007437. Disease mechanism: loss of function.

Allele frequency attached by ClinVar (database versions not stated): gnomAD exomes 0.00001 and 0.00004; ExAC 0.00005; gnomAD 0.00005 and 0.00006; TOPMed 0.00011; ESP Exome Variant Server 0.00031.
gnomAD v4.1: 19 of 1,613,530 alleles (0.0012%); highest among the groups gnomAD compares: African/African-American, 0.019%; no homozygotes.

Submissions (5):

Labcorp Genetics (formerly Invitae), Labcorp
Classification: Likely benign. Last evaluated: 2025-12-21. Review status: criteria provided, single submitter. Criteria: Invitae Variant Classification Sherloc (09022015). Collection method: clinical testing. Allele origin: germline.

PreventionGenetics, part of Exact Sciences
Classification: Likely benign for FH-related condition. Last evaluated: 2025-09-22. Review status: criteria provided, single submitter. Criteria: ACMG Guidelines, 2015. Collection method: clinical testing. Allele origin: germline.
Comment: This variant is classified as likely benign based on ACMG/AMP sequence variant interpretation guidelines (Richards et al. 2015 PMID: 25741868, with internal and published modifications).

Myriad Genetics, Inc.
Classification: Benign for Hereditary leiomyomatosis and renal cell cancer. Last evaluated: 2024-10-18. Review status: criteria provided, single submitter. Criteria: Myriad Autosomal Dominant, Autosomal Recessive and X-Linked Classification Criteria (2023). Collection method: clinical testing. Allele origin: unknown.
Comment: This variant is considered benign. This variant is a silent/synonymous amino acid change and it is not expected to impact splicing.

Blueprint Genetics
Classification: Likely benign. Last evaluated: 2019-11-21. Review status: criteria provided, single submitter. Criteria: ACMG Guidelines, 2015. Collection method: clinical testing. Allele origin: germline.

Ambry Genetics
Classification: Likely benign for Hereditary cancer-predisposing syndrome. Last evaluated: 2015-11-05. Review status: criteria provided, single submitter. Criteria: Ambry Variant Classification Scheme 2023. Collection method: clinical testing. Allele origin: germline.